The following is an entry in ClinVar:

NM_006642.5(SDCCAG8):c.675+214G>A

Gene: SDCCAG8 (SHH signaling and ciliogenesis regulator SDCCAG8; plus strand). Cytogenetic location: 1q43.
Variant type: single nucleotide variant.
Coding change: c.675+214G>A on transcript NM_006642.5 (MANE Select); 214 bases into the intron after coding-DNA position 675, G replaced by A.
Molecular consequence: intron variant. On other transcripts: missense variant (1), 5 prime UTR variant (1).
Genome position (GRCh38, 1-based): chr1:243,293,433, G>A. VCF-style: chr1-243293433-G-A. GRCh37 (hg19) VCF-style: chr1-243456735-G-A.
Other names: c.710G>A, p.Arg237His (NM_001350248.2); c.-664G>A (NM_001350251.2); c.381+214G>A (NM_001350249.2); c.-438+214G>A (NM_001350246.2); c.-326+214G>A (NM_001350247.2); short protein forms R237H.
Identifiers: ClinVar variation 3357669 (VCV003357669.1).

ClinVar aggregate classification (germline): Uncertain significance (0 of 4 stars; one submission).

Conditions:
SDCCAG8-related disorder. Also called: SDCCAG8-Related Disorders; SDCCAG8-related condition.

gnomAD v4.1: 10 of 678,844 alleles (0.0015%); highest among the groups gnomAD compares: South Asian, 0.0045%; no homozygotes.

Submission:

PreventionGenetics, part of Exact Sciences
Classification: Uncertain significance for SDCCAG8-related condition. Last evaluated: 2024-01-31. Review status: no assertion criteria provided. Collection method: clinical testing. Allele origin: germline.
Comment: The SDCCAG8 c.710G>A variant is predicted to result in the amino acid substitution p.Arg237His. This variant would be referred to as c.675+214G>A (intronic) with the primary transcript NM_006642.3. To our knowledge, this variant has not been reported in the literature. This variant is reported in 0.0044% of alleles in individuals of South Asian descent in gnomAD. At this time, the clinical significance of this variant is uncertain due to the absence of conclusive functional and genetic evidence.